The following is an entry in ClinVar:

NM_006346.4(PIBF1):c.2045G>A (p.Arg682His)

Gene: PIBF1 (progesterone immunomodulatory binding factor 1; plus strand). Cytogenetic location: 13q22.1.
Variant type: single nucleotide variant.
Coding change: c.2045G>A on transcript NM_006346.4 (MANE Select); coding-DNA position 2045, G replaced by A.
Protein change: p.Arg682His; replaces arginine 682 with histidine.
Molecular consequence: missense variant. On other transcripts: non-coding transcript variant (1).
Genome position (GRCh38, 1-based): chr13:72,973,671, G>A. VCF-style: chr13-72973671-G-A. GRCh37 (hg19) VCF-style: chr13-73547809-G-A.
Other names: c.2132G>A, p.Arg711His (NM_001349655.2); short protein forms R682H, R711H.
Identifiers: ClinVar variation 723673 (VCV000723673.5), dbSNP rs757822050, ClinGen allele CA7002493.

ClinVar aggregate classification (germline): Likely benign. Review status: criteria provided, multiple submitters, no conflicts (2 of 4 stars). 2 submissions from 2 submitters: Likely benign (2). Last evaluated 2026-04-20.

Conditions:
PIBF1-related disorder. Also called: PIBF1-related condition.

Allele frequency attached by ClinVar (database versions not stated): TOPMed 0.00011; ExAC 0.00019; gnomAD exomes 0.00020.
gnomAD v4.1: 58 of 1,523,588 alleles (0.0038%); highest among the groups gnomAD compares: East Asian, 0.095%; no homozygotes.

Submissions (2):

PreventionGenetics, part of Exact Sciences
Classification: Likely benign for PIBF1-related condition. Last evaluated: 2026-04-20. Review status: criteria provided, single submitter. Criteria: ACMG Guidelines, 2015. Collection method: clinical testing. Allele origin: germline.
Comment: This variant is classified as likely benign based on ACMG/AMP sequence variant interpretation guidelines (Richards et al. 2015 PMID: 25741868, with internal and published modifications).

Labcorp Genetics (formerly Invitae), Labcorp
Classification: Likely benign. Last evaluated: 2019-12-31. Review status: criteria provided, single submitter. Criteria: Invitae Variant Classification Sherloc (09022015). Collection method: clinical testing. Allele origin: germline.